The following is an entry in ClinVar:

ClinVar aggregate classification (germline): Pathogenic/Likely pathogenic. Review status: criteria provided, multiple submitters, no conflicts (2 of 4 stars). 4 submissions from 4 submitters: Pathogenic (3); Likely pathogenic (1). Last evaluated 2025-09-18.

Conditions:
SLC19A2-related disorder. Also called: SLC19A2-related condition.
Megaloblastic anemia, thiamine-responsive, with diabetes mellitus and sensorineural deafness (TRMA). Also called: ROGERS SYNDROME; THIAMINE-RESPONSIVE ANEMIA SYNDROME; THIAMINE-RESPONSIVE MYELODYSPLASIA; THIAMINE METABOLISM DYSFUNCTION SYNDROME 1 (MEGALOBLASTIC ANEMIA, DIABETES MELLITUS, AND DEAFNESS TYPE); Thiamine-Responsive Megaloblastic Anemia Syndrome. Identifiers: Orphanet 49827, MedGen C0342287, MONDO:0009575, OMIM 249270.

Allele frequency attached by ClinVar (database versions not stated): gnomAD 0.00001; gnomAD exomes 0.00001; TOPMed 0.00001; ExAC 0.00002; ESP Exome Variant Server 0.00008.
gnomAD v4.1: 16 of 1,613,812 alleles (0.00099%); highest among the groups gnomAD compares: Non-Finnish European, 0.0014%; no homozygotes.

Submissions (4):

Variantyx, Inc.
Classification: Likely pathogenic for Megaloblastic anemia, thiamine-responsive, with diabetes mellitus and sensorineural deafness. Last evaluated: 2025-09-18. Review status: criteria provided, single submitter. Criteria: Variantyx Assertion Criteria 2022. Collection method: clinical testing. Allele origin: de novo. Inheritance: Autosomal recessive inheritance. Affected: no.
Comment: This is a nonsense variant in the SLC19A2 gene (OMIM: 603941). Pathogenic variants in this gene have been associated with autosomal recessive thiamine-responsive megaloblastic anemia syndrome. This variant introduces a premature termination codon in exon 4 out of 6 and it is expected to result in loss of function, which is a known disease mechanism for SLC19A2 in this disorder (PMID: 23289844) (PVS1). This variant has been reported in the homozygous or compound heterozygous state in at least one affected individual (PMID: 25878670) (PM3_Supporting). It has a 0.0045% maximum allele frequency in non-founder control populations (PM2_Supporting). Based on the current evidence, this variant is classified as pathogenic for autosomal recessive thiamine-responsive megaloblastic anemia syndrome.

Blueprint Genetics
Classification: Pathogenic for SLC19A2-related disorders. Last evaluated: 2024-05-29. Review status: criteria provided, single submitter. Criteria: ACMG Guidelines, 2015. Collection method: clinical testing. Allele origin: germline. Affected: yes. Observed: 5 variant alleles.

Fulgent Genetics
Classification: Pathogenic for Megaloblastic anemia, thiamine-responsive, with diabetes mellitus and sensorineural deafness. Last evaluated: 2024-02-08. Review status: criteria provided, single submitter. Criteria: ACMG Guidelines, 2015. Collection method: clinical testing. Allele origin: germline.

Labcorp Genetics (formerly Invitae), Labcorp
Classification: Pathogenic. Last evaluated: 2023-09-27. Review status: criteria provided, single submitter. Criteria: Invitae Variant Classification Sherloc (09022015). Collection method: clinical testing. Allele origin: germline.
Comment: This sequence change creates a premature translational stop signal (p.Arg397*) in the SLC19A2 gene. It is expected to result in an absent or disrupted protein product. Loss-of-function variants in SLC19A2 are known to be pathogenic (PMID: 10391221, 10391223, 10874303). This variant is present in population databases (rs371383730, gnomAD 0.004%). This premature translational stop signal has been observed in individual(s) with diabetes mellitus and thiamine-responsive megaloblastic anemia (PMID: 25878670). For these reasons, this variant has been classified as Pathogenic.

Literature cited by the submitters: PubMed 23289844 (cited by Variantyx, Inc.); PubMed 25878670 (cited by Variantyx, Inc. and Labcorp Genetics (formerly Invitae), Labcorp); PubMed 10391221 (cited by Labcorp Genetics (formerly Invitae), Labcorp); PubMed 10391223 (cited by Labcorp Genetics (formerly Invitae), Labcorp); PubMed 10874303 (cited by Labcorp Genetics (formerly Invitae), Labcorp).

NM_006996.3(SLC19A2):c.1189A>T (p.Arg397Ter)

Gene: SLC19A2 (solute carrier family 19 member 2; minus strand). Cytogenetic location: 1q24.2.
Variant type: single nucleotide variant.
Coding change: c.1189A>T on transcript NM_006996.3 (MANE Select); coding-DNA position 1189, A replaced by T.
Protein change: p.Arg397Ter; replaces arginine 397 with a stop codon.
Molecular consequence: nonsense.
Genome position (GRCh38, 1-based): chr1:169,468,678, T>A on the plus strand (A>T on the coding strand, the complement: SLC19A2 is on the minus strand). VCF-style: chr1-169468678-T-A. GRCh37 (hg19) VCF-style: chr1-169437916-T-A.
Other names: c.586A>T, p.Arg196Ter (NM_001319667.1); short protein forms R397*, R196*.
Identifiers: ClinVar variation 2734016 (VCV002734016.6), dbSNP rs371383730, ClinGen allele CA1232903.